The following is an entry in ClinVar:

ClinVar aggregate classification (germline): Pathogenic (1 of 4 stars; one submission).

Conditions:
Spastic paraplegia. Identifiers: MedGen C0037772, HP:0001258.

Allele frequency attached by ClinVar (database versions not stated): gnomAD exomes below 0.00001; ExAC 0.00001.

Submission:

Labcorp Genetics (formerly Invitae), Labcorp
Classification: Pathogenic for Spastic paraplegia. Last evaluated: 2021-11-07. Review status: criteria provided, single submitter. Criteria: Invitae Variant Classification Sherloc (09022015). Collection method: clinical testing. Allele origin: germline.
Comment: This sequence change creates a premature translational stop signal (p.Thr458Alafs*21) in the SACS gene. It is expected to result in an absent or disrupted protein product. Loss-of-function variants in SACS are known to be pathogenic (PMID: 18465152, 20876471). This variant is present in population databases (rs765667160, gnomAD 0.006%). This variant has not been reported in the literature in individuals affected with SACS-related conditions. For these reasons, this variant has been classified as Pathogenic.

Literature cited by the submitters: PubMed 18465152; PubMed 20876471.

NM_014363.6(SACS):c.1370_1371dup (p.Thr458fs)

Gene: SACS (sacsin molecular chaperone; minus strand). Cytogenetic location: 13q12.12.
Variant type: Duplication.
Coding change: c.1370_1371dup on transcript NM_014363.6 (MANE Select); coding-DNA positions 1370 to 1371, 2 bases duplicated (GC; older notation c.1370_1371dupGC).
Protein change: p.Thr458fs; shifts the reading frame from threonine 458.
Molecular consequence: frameshift variant.
Genome position (GRCh38, 1-based): chr13:23,355,241-23,355,242, GC duplicated on the plus strand (GC on the coding strand, the reverse complement: SACS is on the minus strand). VCF-style (leftmost placement, unchanged base first): chr13-23355240-T-TGC. GRCh37 (hg19) VCF-style: chr13-23929379-T-TGC.
Other names: c.929_930dup, p.Thr311fs (NM_001278055.2); short protein forms T311fs, T458fs.
Identifiers: ClinVar variation 1453003 (VCV001453003.6), dbSNP rs765667160, ClinGen allele CA6911924.
Genomic context (GRCh38, chr13:23,355,240, plus strand): 5'-TTATGCTCCTGCGGTTATCAGTAAGGCCAAAGAACCCACTGATGTGAACTGGGAGGCCTG[T>TGC]GCTGCTTTCCTCACCAGGTGGTAAAGGAAGGAAACAAAATGCTTTTCCTGAGAAATCAGA-3'